The following is an entry in ClinVar:

ClinVar aggregate classification (germline): Likely benign (1 of 4 stars; one submission).

Submission:

CeGaT Center for Human Genetics Tuebingen
Classification: Likely benign. Last evaluated: 2024-10-01. Review status: criteria provided, single submitter. Criteria: CeGaT Center For Human Genetics Tuebingen Variant Classification Criteria Version 2. Collection method: clinical testing. Allele origin: germline. Affected: yes. Observed: 1 variant allele.
Comment: SCN3A: PM2:Supporting, BP4, BP7

NM_006922.4(SCN3A):c.756C>A (p.Ile252=)

Gene: SCN3A (sodium voltage-gated channel alpha subunit 3; minus strand). Cytogenetic location: 2q24.3.
Variant type: single nucleotide variant.
Coding change: c.756C>A on transcript NM_006922.4 (MANE Select); coding-DNA position 756, C replaced by A.
Protein change: p.Ile252=; no amino-acid change (isoleucine 252 retained).
Molecular consequence: synonymous variant.
Genome position (GRCh38, 1-based): chr2:165,162,767, G>T on the plus strand (C>A on the coding strand, the complement: SCN3A is on the minus strand). VCF-style: chr2-165162767-G-T. GRCh37 (hg19) VCF-style: chr2-166019277-G-T.
Other names: c.756C>A, p.Ile252= (NM_001081676.2, NM_001081677.2).
Identifiers: ClinVar variation 3388256 (VCV003388256.14).
Genomic context (GRCh38, chr2:165,162,767, plus strand): 5'-ATTGCCCATGAACAGCTGCAGCCCAATGAGAGCAAACACGCTCAGACAGAACACAGTCAG[G>T]ATCATCACATCAGAAAGCTTCTTTACCGACTGGATCAGGGCCCCCACAATGGTCTTTAAA-3'
Protein context (NP_008853.3, residues 242-262): QSVKKLSDVM[Ile252=]LTVFCLSVFA